The following is an entry in ClinVar:

ClinVar aggregate classification (germline): Uncertain significance (1 of 4 stars; one submission).

Conditions:
Focal segmental glomerulosclerosis 7 (FSGS7). Identifiers: Orphanet 656, MedGen C4014925, MONDO:0014451, OMIM 616002.
Renal coloboma syndrome (PAPRS). Also called: CONGENITAL ANOMALIES OF THE KIDNEY AND URINARY TRACT WITH OR WITHOUT OCULAR ABNORMALITIES; CAKUT WITH OR WITHOUT OCULAR ABNORMALITIES; COLOBOMA OF OPTIC NERVE WITH RENAL DISEASE; OPTIC COLOBOMA, VESICOURETERAL REFLUX, AND RENAL ANOMALIES; OPTIC NERVE COLOBOMA WITH RENAL DISEASE; RENAL-COLOBOMA SYNDROME WITH MACULAR ABNORMALITIES. Identifiers: Orphanet 1475, MedGen C1852759, MONDO:0007352, OMIM 120330.

Allele frequency attached by ClinVar (database versions not stated): gnomAD exomes below 0.00001; TOPMed below 0.00001.
gnomAD v4.1: 1 of 1,614,186 alleles (0.000062%); highest among the groups gnomAD compares: Non-Finnish European, 0.000085%; no homozygotes.

Submission:

Labcorp Genetics (formerly Invitae), Labcorp
Classification: Uncertain significance for Renal coloboma syndrome; Focal segmental glomerulosclerosis 7. Last evaluated: 2023-11-13. Review status: criteria provided, single submitter. Criteria: Invitae Variant Classification Sherloc (09022015). Collection method: clinical testing. Allele origin: germline.
Comment: This sequence change replaces arginine, which is basic and polar, with glutamine, which is neutral and polar, at codon 104 of the PAX2 protein (p.Arg104Gln). This variant is not present in population databases (gnomAD no frequency). This variant has not been reported in the literature in individuals affected with PAX2-related conditions. ClinVar contains an entry for this variant (Variation ID: 2093327). Experimental studies and prediction algorithms are not available or were not evaluated, and the functional significance of this variant is currently unknown. In summary, the available evidence is currently insufficient to determine the role of this variant in disease. Therefore, it has been classified as a Variant of Uncertain Significance.

NM_000278.5(PAX2):c.311G>A (p.Arg104Gln)

Gene: PAX2 (paired box 2; plus strand). Cytogenetic location: 10q24.31.
Variant type: single nucleotide variant.
Coding change: c.311G>A on transcript NM_000278.5 (MANE Select); coding-DNA position 311, G replaced by A.
Protein change: p.Arg104Gln; replaces arginine 104 with glutamine.
Molecular consequence: missense variant.
Genome position (GRCh38, 1-based): chr10:100,750,792, G>A. VCF-style: chr10-100750792-G-A. GRCh37 (hg19) VCF-style: chr10-102510549-G-A.
Other names: c.404G>A, p.Arg135Gln (NM_001304569.2); c.311G>A, p.Arg104Gln (NM_003987.5, NM_003988.5, NM_003989.5 and 1 more transcripts); short protein forms R104Q, R135Q.
Identifiers: ClinVar variation 2093327 (VCV002093327.4), dbSNP rs1845411734, ClinGen allele CA378258001.